The following is an entry in ClinVar:

ClinVar aggregate classification (germline): Uncertain significance (1 of 4 stars; one submission).

Conditions:
Sulfite oxidase deficiency due to molybdenum cofactor deficiency type C. Also called: Molybdenum cofactor deficiency, complementation group C; Molybdenum cofactor deficiency C. Identifiers: Orphanet 308400, Orphanet 833, MedGen C1854990, MONDO:0014212, OMIM 615501.

Submission:

Labcorp Genetics (formerly Invitae), Labcorp
Classification: Uncertain significance for Sulfite oxidase deficiency due to molybdenum cofactor deficiency type C. Last evaluated: 2023-10-17. Review status: criteria provided, single submitter. Criteria: Invitae Variant Classification Sherloc (09022015). Collection method: clinical testing. Allele origin: germline.
Comment: This sequence change falls in intron 17 of the GPHN gene. It does not directly change the encoded amino acid sequence of the GPHN protein. It affects a nucleotide within the consensus splice site. This variant is not present in population databases (gnomAD no frequency). This variant has not been reported in the literature in individuals affected with GPHN-related conditions. Variants that disrupt the consensus splice site are a relatively common cause of aberrant splicing (PMID: 17576681, 9536098). Algorithms developed to predict the effect of sequence changes on RNA splicing suggest that this variant is not likely to affect RNA splicing. In summary, the available evidence is currently insufficient to determine the role of this variant in disease. Therefore, it has been classified as a Variant of Uncertain Significance.

Literature cited by the submitters: PubMed 17576681; PubMed 9536098.

NM_020806.5(GPHN):c.1748+6T>A

Gene: GPHN (gephyrin; plus strand). Cytogenetic location: 14q23.3.
Variant type: single nucleotide variant.
Coding change: c.1748+6T>A on transcript NM_020806.5 (MANE Select); 6 bases into the intron after coding-DNA position 1748, T replaced by A.
Molecular consequence: intron variant.
Genome position (GRCh38, 1-based): chr14:67,122,383, T>A. VCF-style: chr14-67122383-T-A. GRCh37 (hg19) VCF-style: chr14-67589100-T-A.
Other names: c.1808+6T>A (NM_001377514.1); c.1688+6T>A (NM_001377519.1); c.1778+6T>A (NM_001377515.1); c.1769+6T>A (NM_001377516.1); c.1706+6T>A (NM_001377518.1); c.1721+6T>A (NM_001377517.1); c.1649+6T>A (NM_001024218.2).
Identifiers: ClinVar variation 2769244 (VCV002769244.3), dbSNP rs1251837007, ClinGen allele CA2697553979.